The following is an entry in ClinVar:

ClinVar aggregate classification (germline): Pathogenic (1 of 4 stars; one submission).

gnomAD v4.1: 1 of 1,614,140 alleles (0.000062%); highest among the groups gnomAD compares: Non-Finnish European, 0.000085%; no homozygotes.

Submission:

Labcorp Genetics (formerly Invitae), Labcorp
Classification: Pathogenic. Last evaluated: 2026-01-15. Review status: criteria provided, single submitter. Criteria: Invitae Variant Classification Sherloc (09022015). Collection method: clinical testing. Allele origin: germline.
Comment: This sequence change affects a donor splice site in intron 7 of the SLC1A4 gene. While this variant is not anticipated to result in nonsense mediated decay, it likely alters RNA splicing and results in a disrupted protein product. This variant is not present in population databases (gnomAD no frequency). This variant has not been reported in the literature in individuals affected with SLC1A4-related conditions. Variants that disrupt the consensus splice site are a relatively common cause of aberrant splicing (PMID: 17576681, 9536098). Algorithms developed to predict the effect of sequence changes on RNA splicing suggest that this variant may disrupt the consensus splice site. This variant disrupts a region of the SLC1A4 protein in which other variant(s) (p.Arg457Trp) have been determined to be pathogenic (PMID: 2837306, 26041762, 33528536; internal data). This suggests that this is a clinically significant region of the protein, and that variants that disrupt it are likely to be disease-causing. For these reasons, this variant has been classified as Pathogenic.

Literature cited by the submitters: PubMed 17576681; PubMed 9536098; PubMed 2837306; PubMed 26041762; PubMed 33528536.

NM_003038.5(SLC1A4):c.1364+1G>T

Gene: SLC1A4 (solute carrier family 1 member 4; plus strand). Cytogenetic location: 2p14.
Variant type: single nucleotide variant.
Coding change: c.1364+1G>T on transcript NM_003038.5 (MANE Select); the canonical splice donor site of the intron after coding-DNA position 1364, G replaced by T.
Molecular consequence: splice donor variant.
Genome position (GRCh38, 1-based): chr2:65,018,680, G>T. VCF-style: chr2-65018680-G-T. GRCh37 (hg19) VCF-style: chr2-65245814-G-T.
Other names: c.704+1G>T (NM_001348406.2, NM_001348407.2); c.470+1G>T (NM_001193493.2).
Identifiers: ClinVar variation 4729912 (VCV004729912.1).
Genomic context (GRCh38, chr2:65,018,680, plus strand): 5'-GGAGGCCATTGGGCTGCCTACTCATGACCTGCCTCTGATCCTGGCTGTGGACTGGATTGT[G>T]TAAGTAACAAGTCCTGAGAACACCAAAAAGAGTCTGCACTGAGTTCCCTAGGAGCTTAGC-3'